The following is an entry in ClinVar:

NM_001267550.2(TTN):c.34855+9_34855+11del

Gene: TTN (titin; minus strand). Cytogenetic location: 2q31.2.
Variant type: Microsatellite.
Coding change: c.34855+9_34855+11del on transcript NM_001267550.2 (MANE Select); bases 9 to 11 of the intron after coding-DNA position 34855, 3 bases deleted (TCT; older notation c.34855+9_34855+11delTCT).
Molecular consequence: intron variant.
Genome position (GRCh38, 1-based): chr2:178,672,624-178,672,626, AGA deleted on the plus strand (TCT on the coding strand, the reverse complement: TTN is on the minus strand); deleting any 3 consecutive bases within chr2:178,672,624-178,672,629 gives the same sequence; the c. name uses the placement nearest the transcript's 3' end. VCF-style (leftmost placement, unchanged base first): chr2-178672623-GAGA-G. GRCh37 (hg19) VCF-style: chr2-179537350-GAGA-G.
Other names: c.33733+9_33733+11delTCT (NM_001256850.1); c.13283-30309_13283-30307del (NM_003319.4); c.13859-30309_13859-30307del (NM_133437.4); c.13658-30309_13658-30307del (NM_133432.3); c.30952+9_30952+11del (NM_133378.4); c.33733+9_33733+11del (NM_001256850.1).
Identifiers: ClinVar variation 508279 (VCV000508279.6), dbSNP rs1196572661, ClinGen allele CA538094197.

ClinVar aggregate classification (germline): Likely benign. Review status: criteria provided, multiple submitters, no conflicts (2 of 4 stars). 2 submissions from 2 submitters: Likely benign (2). Last evaluated 2025-12-22.

Conditions:
Dilated cardiomyopathy 1G (CMD1G). Identifiers: Orphanet 154, MedGen C1858763, MONDO:0011400, OMIM 604145.
Autosomal recessive limb-girdle muscular dystrophy type 2J (LGMDR10). Also called: Limb-girdle muscular dystrophy, type 2J; MUSCULAR DYSTROPHY, LIMB-GIRDLE, AUTOSOMAL RECESSIVE 10. Identifiers: Orphanet 140922, MedGen C1837342, MONDO:0012127, OMIM 608807.

Submissions (2):

Labcorp Genetics (formerly Invitae), Labcorp
Classification: Likely benign for Dilated cardiomyopathy 1G; Autosomal recessive limb-girdle muscular dystrophy type 2J. Last evaluated: 2025-12-22. Review status: criteria provided, single submitter. Criteria: Invitae Variant Classification Sherloc (09022015). Collection method: clinical testing. Allele origin: germline.

GeneDx
Classification: Likely benign. Last evaluated: 2017-03-17. Review status: criteria provided, single submitter. Criteria: GeneDx Variant Classification (06012015). Collection method: clinical testing. Allele origin: germline. Affected: yes.
Comment: This variant is considered likely benign or benign based on one or more of the following criteria: it is a conservative change, it occurs at a poorly conserved position in the protein, it is predicted to be benign by multiple in silico algorithms, and/or has population frequency not consistent with disease.